The following is an entry in ClinVar:

ClinVar aggregate classification (germline): Uncertain significance (1 of 4 stars; one submission).

Conditions:
Cognitive impairment - coarse facies - heart defects - obesity - pulmonary involvement - short stature - skeletal dysplasia syndrome. Also called: COGNITIVE IMPAIRMENT, COARSE FACIES, HEART DEFECTS, OBESITY, PULMONARY INVOLVEMENT, SHORT STATURE, AND SKELETAL DYSPLASIA; Chops syndrome; AFF4-Related CHOPS Syndrome. Identifiers: Orphanet 444077, MedGen C4085597, MONDO:0014609, OMIM 616368.

Submission:

Labcorp Genetics (formerly Invitae), Labcorp
Classification: Uncertain significance for Cognitive impairment - coarse facies - heart defects - obesity - pulmonary involvement - short stature - skeletal dysplasia syndrome. Last evaluated: 2025-01-01. Review status: criteria provided, single submitter. Criteria: Invitae Variant Classification Sherloc (09022015). Collection method: clinical testing. Allele origin: germline.
Comment: This sequence change replaces glutamic acid, which is acidic and polar, with aspartic acid, which is acidic and polar, at codon 505 of the AFF4 protein (p.Glu505Asp). This variant is not present in population databases (gnomAD no frequency). This variant has not been reported in the literature in individuals affected with AFF4-related conditions. Invitae Evidence Modeling of protein sequence and biophysical properties (such as structural, functional, and spatial information, amino acid conservation, physicochemical variation, residue mobility, and thermodynamic stability) indicates that this missense variant is not expected to disrupt AFF4 protein function with a negative predictive value of 80%. In summary, the available evidence is currently insufficient to determine the role of this variant in disease. Therefore, it has been classified as a Variant of Uncertain Significance.

NM_014423.4(AFF4):c.1515A>T (p.Glu505Asp)

Gene: AFF4 (ALF transcription elongation factor 4; minus strand). Cytogenetic location: 5q31.1.
Variant type: single nucleotide variant.
Coding change: c.1515A>T on transcript NM_014423.4 (MANE Select); coding-DNA position 1515, A replaced by T.
Protein change: p.Glu505Asp; replaces glutamic acid 505 with aspartic acid.
Molecular consequence: missense variant.
Genome position (GRCh38, 1-based): chr5:132,897,115, T>A on the plus strand (A>T on the coding strand, the complement: AFF4 is on the minus strand). VCF-style: chr5-132897115-T-A. GRCh37 (hg19) VCF-style: chr5-132232807-T-A.
Other names: short protein forms E505D.
Identifiers: ClinVar variation 3665230 (VCV003665230.2).